The following is an entry in ClinVar:

NM_024675.4(PALB2):c.3246_3247del (p.Ser1082fs)

Gene: PALB2 (partner and localizer of BRCA2; minus strand). Cytogenetic location: 16p12.2.
Variant type: Deletion.
Coding change: c.3246_3247del on transcript NM_024675.4 (MANE Select); coding-DNA positions 3246 to 3247, 2 bases deleted (TG; older notation c.3246_3247delTG).
Protein change: p.Ser1082fs; shifts the reading frame from serine 1082.
Molecular consequence: frameshift variant.
Genome position (GRCh38, 1-based): chr16:23,607,967-23,607,968, CA deleted on the plus strand (TG on the coding strand, the reverse complement: PALB2 is on the minus strand); deleting any 2 consecutive bases within chr16:23,607,967-23,607,969 gives the same sequence; the c. name uses the placement nearest the transcript's 3' end. VCF-style (leftmost placement, unchanged base first): chr16-23607966-TCA-T. GRCh37 (hg19) VCF-style: chr16-23619287-TCA-T.
Other names: c.3246_3247delTG (NM_024675.3); short protein forms S1082fs.
Identifiers: ClinVar variation 229674 (VCV000229674.7), dbSNP rs876658136, ClinGen allele CA10579923.

ClinVar aggregate classification (germline): Pathogenic/Likely pathogenic. Review status: criteria provided, multiple submitters, no conflicts (2 of 4 stars). 3 submissions from 3 submitters: Pathogenic (2); Likely pathogenic (1). Last evaluated 2023-12-19.

Conditions:
PALB2-related disorder. Also called: PALB2-related disorders; PALB2-related condition.
Hereditary cancer-predisposing syndrome. Also called: Neoplastic Syndromes, Hereditary; Hereditary Cancer Syndrome; Tumor predisposition; Hereditary neoplastic syndrome. Identifiers: Orphanet 140162, MedGen C0027672, MeSH D009386, MONDO:0015356.
Familial cancer of breast. Also called: hereditary breast carcinoma; Hereditary breast cancer; BREAST CANCER, FAMILIAL. Identifiers: Orphanet 227535, MedGen C0346153, MONDO:0016419, OMIM 114480. Disease mechanism: loss of function.

Submissions (3):

Ambry Genetics
Classification: Pathogenic for Hereditary cancer-predisposing syndrome. Last evaluated: 2023-12-19. Review status: criteria provided, single submitter. Criteria: Ambry Variant Classification Scheme 2023. Collection method: clinical testing. Allele origin: germline.
Comment: The c.3246_3247delTG pathogenic mutation, located in coding exon 12 of the PALB2 gene, results from a deletion of two nucleotides at nucleotide positions 3246 to 3247, causing a translational frameshift with a predicted alternate stop codon (p.S1082Rfs*14). This variant is considered to be rare based on population cohorts in the Genome Aggregation Database (gnomAD). This alteration is expected to result in loss of function by premature protein truncation or nonsense-mediated mRNA decay. As such, this alteration is interpreted as a disease-causing mutation.

Blueprint Genetics
Classification: Likely pathogenic for PALB2-related disorders. Last evaluated: 2023-10-23. Review status: criteria provided, single submitter. Criteria: ACMG Guidelines, 2015. Collection method: clinical testing. Allele origin: germline. Affected: yes. Observed: 1 variant allele.

Myriad Genetics, Inc.
Classification: Pathogenic for Familial cancer of breast. Last evaluated: 2023-09-14. Review status: criteria provided, single submitter. Criteria: Myriad Autosomal Dominant, Autosomal Recessive and X-Linked Classification Criteria (2023). Collection method: clinical testing. Allele origin: unknown.
Comment: This variant is considered pathogenic. This variant creates a frameshift predicted to result in premature protein truncation.